The following is an entry in ClinVar:

ClinVar aggregate classification (germline): Uncertain significance (1 of 4 stars; one submission).

Allele frequency attached by ClinVar (database versions not stated): gnomAD 0.00001.
gnomAD v4.1: 1 of 1,614,078 alleles (0.000062%); highest among the groups gnomAD compares: Admixed American, 0.0017%; no homozygotes.

Submission:

Labcorp Genetics (formerly Invitae), Labcorp
Classification: Uncertain significance. Last evaluated: 2022-03-24. Review status: criteria provided, single submitter. Criteria: Invitae Variant Classification Sherloc (09022015). Collection method: clinical testing. Allele origin: germline.
Comment: In summary, the available evidence is currently insufficient to determine the role of this variant in disease. Therefore, it has been classified as a Variant of Uncertain Significance. Algorithms developed to predict the effect of missense changes on protein structure and function are either unavailable or do not agree on the potential impact of this missense change (SIFT: "Deleterious"; PolyPhen-2: "Probably Damaging"; Align-GVGD: "Class C0"). This variant has not been reported in the literature in individuals affected with SCO2-related conditions. This variant is not present in population databases (gnomAD no frequency). This sequence change replaces serine, which is neutral and polar, with cysteine, which is neutral and slightly polar, at codon 225 of the SCO2 protein (p.Ser225Cys).

NM_005138.3(SCO2):c.674C>G (p.Ser225Cys)

Genes: NCAPH2 (non-SMC condensin II complex subunit H2; plus strand), SCO2 (synthesis of cytochrome C oxidase 2; minus strand). Cytogenetic location: 22q13.33.
Variant type: single nucleotide variant.
Coding change: c.674C>G on transcript NM_005138.3 (MANE Select); coding-DNA position 674, C replaced by G.
Protein change: p.Ser225Cys; replaces serine 225 with cysteine.
Molecular consequence: missense variant. On other transcripts: 3 prime UTR variant (2).
Genome position (GRCh38, 1-based): chr22:50,523,738, G>C on the plus strand (C>G on the coding strand, the complement: SCO2 is on the minus strand). VCF-style: chr22-50523738-G-C. GRCh37 (hg19) VCF-style: chr22-50962167-G-C.
Other names: c.*363G>C (NM_001185011.2, NM_152299.4); c.674C>G, p.Ser225Cys (NM_001169109.2, NM_001169110.1, NM_001169111.2); short protein forms S225C.
Identifiers: ClinVar variation 2116575 (VCV002116575.4), dbSNP rs80358232, ClinGen allele CA412191476.